The following is an entry in ClinVar:

NM_001048174.2(MUTYH):c.299A>T (p.Tyr100Phe)

Gene: MUTYH (mutY DNA glycosylase; minus strand). Cytogenetic location: 1p34.1.
Variant type: single nucleotide variant.
Coding change: c.299A>T on transcript NM_001048174.2 (MANE Select); coding-DNA position 299, A replaced by T.
Protein change: p.Tyr100Phe; replaces tyrosine 100 with phenylalanine.
Molecular consequence: missense variant. On other transcripts: non-coding transcript variant (2).
Genome position (GRCh38, 1-based): chr1:45,333,290, T>A on the plus strand (A>T on the coding strand, the complement: MUTYH is on the minus strand). VCF-style: chr1-45333290-T-A. GRCh37 (hg19) VCF-style: chr1-45798962-T-A.
Other names: c.299A>T, p.Tyr100Phe (NM_001048171.2, NM_001048173.2, NM_001293195.2 and 6 more transcripts); c.302A>T, p.Tyr101Phe (NM_001048172.2, NM_001407071.1, NM_001407078.1 and 2 more transcripts); c.383A>T, p.Tyr128Phe (NM_001128425.2); c.344A>T, p.Tyr115Phe (NM_001293190.2); c.332A>T, p.Tyr111Phe (NM_001293191.2, NM_001407077.1); c.23A>T, p.Tyr8Phe (NM_001293192.2, NM_001293196.2, NM_001407091.1); c.28A>T, p.Met10Leu (NM_001350650.2, NM_001350651.2, NM_001407082.1); c.374A>T, p.Tyr125Phe (NM_001407069.1, NM_012222.3); and 3 more; short protein forms Y100F, Y107F, Y111F, Y128F, Y8F, Y114F, Y115F, Y125F.
Identifiers: ClinVar variation 1735410 (VCV001735410.4), dbSNP rs876660615, ClinGen allele CA340136240.

ClinVar aggregate classification (germline): Uncertain significance. Review status: criteria provided, multiple submitters, no conflicts (2 of 4 stars). 2 submissions from 2 submitters: Uncertain significance (2). Last evaluated 2025-03-04.

Conditions:
Hereditary cancer-predisposing syndrome. Also called: Neoplastic Syndromes, Hereditary; Tumor predisposition; Hereditary Cancer Syndrome; Hereditary neoplastic syndrome. Identifiers: Orphanet 140162, MedGen C0027672, MeSH D009386, MONDO:0015356.

Submissions (2):

Center for Genomic Medicine, Rigshospitalet, Copenhagen University Hospital
Classification: Uncertain significance. Last evaluated: 2025-03-04. Review status: criteria provided, single submitter. Criteria: ACMG Guidelines, 2015. Collection method: clinical testing. Allele origin: germline.

Ambry Genetics
Classification: Uncertain significance for Hereditary cancer-predisposing syndrome. Last evaluated: 2015-12-23. Review status: criteria provided, single submitter. Criteria: Ambry Variant Classification Scheme 2023. Collection method: clinical testing. Allele origin: germline.
Comment: The p.Y128F variant (also known as c.383A>T), located in coding exon 4 of the MUTYH gene, results from an A to T substitution at nucleotide position 383. The tyrosine at codon 128 is replaced by phenylalanine, an amino acid with highly similar properties. This variant was not reported in population based cohorts in the following databases: Database of Single Nucleotide Polymorphisms (dbSNP), NHLBI Exome Sequencing Project (ESP), and 1000 Genomes Project. In the ESP, this variant was not observed in 6503 samples (13006 alleles) with coverage at this position. To date, this alteration has been detected with an allele frequency of approximately 0.001% (greater than 140000 alleles tested) in our clinical cohort. This amino acid position is well conserved in available vertebrate species. In addition, the in silico prediction for this alteration is inconclusive. Since supporting evidence is limited at this time, the clinical significance of p.Y128F remains unclear.